The following is an entry in ClinVar:

ClinVar aggregate classification (germline): Uncertain significance. Review status: criteria provided, multiple submitters, no conflicts (2 of 4 stars). 2 submissions from 2 submitters: Uncertain significance (2). Last evaluated 2024-10-25.

Conditions:
Spastic ataxia 2. Also called: Ataxia, spastic, 2, autosomal recessive. Identifiers: Orphanet 397946, MedGen C1969796, MONDO:0012651, OMIM 611302.

Allele frequency attached by ClinVar (database versions not stated): ExAC 0.00003; gnomAD 0.00003 and 0.00004; gnomAD exomes 0.00003 and 0.00005; TOPMed 0.00003.
gnomAD v4.1: 50 of 1,536,270 alleles (0.0033%); highest among the groups gnomAD compares: Admixed American, 0.015%; no homozygotes.

Submissions (2):

Labcorp Genetics (formerly Invitae), Labcorp
Classification: Uncertain significance for Spastic ataxia 2. Last evaluated: 2024-10-25. Review status: criteria provided, single submitter. Criteria: Invitae Variant Classification Sherloc (09022015). Collection method: clinical testing. Allele origin: germline.
Comment: This sequence change replaces arginine, which is basic and polar, with cysteine, which is neutral and slightly polar, at codon 963 of the KIF1C protein (p.Arg963Cys). This variant is present in population databases (rs768222656, gnomAD 0.01%). This variant has not been reported in the literature in individuals affected with KIF1C-related conditions. ClinVar contains an entry for this variant (Variation ID: 1310605). An algorithm developed to predict the effect of missense changes on protein structure and function (PolyPhen-2) suggests that this variant is likely to be disruptive. In summary, the available evidence is currently insufficient to determine the role of this variant in disease. Therefore, it has been classified as a Variant of Uncertain Significance.

GeneDx
Classification: Uncertain significance. Last evaluated: 2020-01-15. Review status: criteria provided, single submitter. Criteria: GeneDx Variant Classification Process June 2021. Collection method: clinical testing. Allele origin: germline. Affected: yes.
Comment: Not observed at a significant frequency in large population cohorts (Lek et al., 2016); In silico analysis, which includes protein predictors and evolutionary conservation, supports that this variant does not alter protein structure/function; Has not been previously published as pathogenic or benign to our knowledge

NM_006612.6(KIF1C):c.2887C>T (p.Arg963Cys)

Gene: KIF1C (kinesin family member 1C; plus strand). Cytogenetic location: 17p13.2.
Variant type: single nucleotide variant.
Coding change: c.2887C>T on transcript NM_006612.6 (MANE Select); coding-DNA position 2887, C replaced by T.
Protein change: p.Arg963Cys; replaces arginine 963 with cysteine.
Molecular consequence: missense variant.
Genome position (GRCh38, 1-based): chr17:5,023,726, C>T. VCF-style: chr17-5023726-C-T. GRCh37 (hg19) VCF-style: chr17-4927021-C-T.
Other names: short protein forms R963C.
Identifiers: ClinVar variation 1310605 (VCV001310605.6), dbSNP rs768222656, ClinGen allele CA8319424.